The following is an entry in ClinVar:

NM_133368.3(RSPRY1):c.189C>T (p.Ala63=)

Gene: RSPRY1 (ring finger and SPRY domain containing 1; plus strand). Cytogenetic location: 16q13.
Variant type: single nucleotide variant.
Coding change: c.189C>T on transcript NM_133368.3 (MANE Select); coding-DNA position 189, C replaced by T.
Protein change: p.Ala63=; no amino-acid change (alanine 63 retained).
Molecular consequence: synonymous variant.
Genome position (GRCh38, 1-based): chr16:57,204,847, C>T. VCF-style: chr16-57204847-C-T. GRCh37 (hg19) VCF-style: chr16-57238759-C-T.
Other names: c.189C>T, p.Ala63= (NM_001305163.2, NM_001305164.2, NM_001305182.2).
Identifiers: ClinVar variation 720510 (VCV000720510.15), dbSNP rs147121129, ClinGen allele CA8074399.
Genomic context (GRCh38, chr16:57,204,847, plus strand): 5'-CTGTATCTGCCGAGATGACAGTGGAACAGATGACAGTGTTGACACCCAACAGCAACAGGC[C>T]GAGAACAGTGCAGTACCCACTGCTGACACAAGGAGCCAACCACGGGACCCTGTTCGGCCA-3'
Protein context (NP_588609.1, residues 53-73): DDSVDTQQQQ[Ala63=]ENSAVPTADT

ClinVar aggregate classification (germline): Benign/Likely benign. Review status: criteria provided, multiple submitters, no conflicts (2 of 4 stars). 4 submissions from 4 submitters: Benign (2); Likely benign (1). 1 of the submissions does not count toward it. Last evaluated 2026-02-01.

Conditions:
RSPRY1-related disorder. Also called: RSPRY1-related condition.

Allele frequency attached by ClinVar (database versions not stated): gnomAD exomes 0.00099; ExAC 0.00113; ESP Exome Variant Server 0.00385; gnomAD 0.00389 and 0.00413; TOPMed 0.00389; 1000 Genomes Project 30x 0.00468; 1000 Genomes Project 0.00539.
gnomAD v4.1: 1,132 of 1,614,132 alleles (0.07%); highest among the groups gnomAD compares: African/African-American, 1.3%; 8 homozygotes.

Submissions (4):

Labcorp Genetics (formerly Invitae), Labcorp
Classification: Benign. Last evaluated: 2026-02-01. Review status: criteria provided, single submitter. Criteria: Invitae Variant Classification Sherloc (09022015). Collection method: clinical testing. Allele origin: germline.

Blueprint Genetics
Classification: Likely benign. Last evaluated: 2024-11-13. Review status: criteria provided, single submitter. Criteria: ACMG Guidelines, 2015. Collection method: clinical testing. Allele origin: germline.

Breakthrough Genomics
Classification: Benign. Review status: criteria provided, single submitter. Criteria: ACMG Guidelines, 2015. Collection method: not provided. Allele origin: germline. Inheritance: Autosomal recessive inheritance. Affected: yes.

PreventionGenetics, part of Exact Sciences
Classification: Benign for RSPRY1-related condition. Last evaluated: 2019-03-08. Review status: no assertion criteria provided. Collection method: clinical testing. Allele origin: germline. Not counted in ClinVar's aggregate classification.
Comment: This variant is classified as benign based on ACMG/AMP sequence variant interpretation guidelines (Richards et al. 2015 PMID: 25741868, with internal and published modifications).